The following is an entry in ClinVar:

ClinVar aggregate classification (germline): Uncertain significance (1 of 4 stars; one submission).

Conditions:
Sialuria. Also called: Sialic Acid Storage Disease; SIALURIA, FRENCH TYPE. Identifiers: Orphanet 3166, MedGen C0342853, MONDO:0010028, OMIM 269921.
GNE myopathy (NM). Also called: IBM 2; Inclusion body myopathy autosomal recessive; Inclusion body myopathy quadriceps sparing; INCLUSION BODY MYOPATHY, HEREDITARY, AUTOSOMAL RECESSIVE; NONAKA DISTAL MYOPATHY; INCLUSION BODY MYOPATHY 2, AUTOSOMAL RECESSIVE. Identifiers: Orphanet 602, MedGen C1853926, MONDO:0011603, OMIM 605820.

Allele frequency attached by ClinVar (database versions not stated): gnomAD exomes below 0.00001; ExAC 0.00001; gnomAD 0.00001; TOPMed 0.00001; 1000 Genomes Project 30x 0.00016; 1000 Genomes Project 0.00020.
gnomAD v4.1: 3 of 1,614,216 alleles (0.00019%); highest among the groups gnomAD compares: Admixed American, 0.005%; no homozygotes.

Submission:

Labcorp Genetics (formerly Invitae), Labcorp
Classification: Uncertain significance for Sialuria; GNE myopathy. Last evaluated: 2025-02-15. Review status: criteria provided, single submitter. Criteria: Invitae Variant Classification Sherloc (09022015). Collection method: clinical testing. Allele origin: germline.
Comment: This sequence change replaces leucine, which is neutral and non-polar, with phenylalanine, which is neutral and non-polar, at codon 220 of the GNE protein (p.Leu220Phe). This variant is present in population databases (rs567208272, gnomAD 0.003%). This variant has not been reported in the literature in individuals affected with GNE-related conditions. ClinVar contains an entry for this variant (Variation ID: 837972). Invitae Evidence Modeling of protein sequence and biophysical properties (such as structural, functional, and spatial information, amino acid conservation, physicochemical variation, residue mobility, and thermodynamic stability) has been performed for this missense variant. However, the output from this modeling did not meet the statistical confidence thresholds required to predict the impact of this variant on GNE protein function. In summary, the available evidence is currently insufficient to determine the role of this variant in disease. Therefore, it has been classified as a Variant of Uncertain Significance.

NM_005476.7(GNE):c.565C>T (p.Leu189Phe)

Gene: GNE (glucosamine (UDP-N-acetyl)-2-epimerase/N-acetylmannosamine kinase; minus strand). Cytogenetic location: 9p13.3.
Variant type: single nucleotide variant.
Coding change: c.565C>T on transcript NM_005476.7 (MANE Select); coding-DNA position 565, C replaced by T.
Protein change: p.Leu189Phe; replaces leucine 189 with phenylalanine.
Molecular consequence: missense variant.
Genome position (GRCh38, 1-based): chr9:36,246,082, G>A on the plus strand (C>T on the coding strand, the complement: GNE is on the minus strand). VCF-style: chr9-36246082-G-A. GRCh37 (hg19) VCF-style: chr9-36246079-G-A.
Other names: c.658C>T, p.Leu220Phe (NM_001128227.3); c.565C>T, p.Leu189Phe (NM_001190383.3, NM_001374797.1); c.388C>T, p.Leu130Phe (NM_001190384.3, NM_001190388.2, NM_001374798.1); short protein forms L130F, L189F, L220F.
Identifiers: ClinVar variation 837972 (VCV000837972.8), dbSNP rs567208272, ClinGen allele CA5056711.